The following is an entry in ClinVar:

NM_003743.5(NCOA1):c.66G>A (p.Ser22=)

Gene: NCOA1 (nuclear receptor coactivator 1; plus strand). Cytogenetic location: 2p23.3.
Variant type: single nucleotide variant.
Coding change: c.66G>A on transcript NM_003743.5 (MANE Select); coding-DNA position 66, G replaced by A.
Protein change: p.Ser22=; no amino-acid change (serine 22 retained).
Molecular consequence: synonymous variant.
Genome position (GRCh38, 1-based): chr2:24,658,743, G>A. VCF-style: chr2-24658743-G-A. GRCh37 (hg19) VCF-style: chr2-24881612-G-A.
Other names: c.66G>A, p.Ser22= (NM_001362950.1, NM_001362952.1, NM_001362954.1 and 3 more transcripts).
Identifiers: ClinVar variation 3353845 (VCV003353845.1).

ClinVar aggregate classification (germline): Likely benign (0 of 4 stars; one submission).

Conditions:
NCOA1-related disorder. Also called: NCOA1-related condition.

gnomAD v4.1: 40 of 1,614,000 alleles (0.0025%); highest among the groups gnomAD compares: South Asian, 0.0099%; 1 homozygote.

Submission:

PreventionGenetics, part of Exact Sciences
Classification: Likely benign for NCOA1-related condition. Last evaluated: 2024-09-13. Review status: no assertion criteria provided. Collection method: clinical testing. Allele origin: germline.
Comment: This variant is classified as likely benign based on ACMG/AMP sequence variant interpretation guidelines (Richards et al. 2015 PMID: 25741868, with internal and published modifications).